The following is an entry in ClinVar:

NM_013382.7(POMT2):c.866T>G (p.Leu289Arg)

Gene: POMT2 (protein O-mannosyltransferase 2; minus strand). Cytogenetic location: 14q24.3.
Variant type: single nucleotide variant.
Coding change: c.866T>G on transcript NM_013382.7 (MANE Select); coding-DNA position 866, T replaced by G.
Protein change: p.Leu289Arg; replaces leucine 289 with arginine.
Molecular consequence: missense variant.
Genome position (GRCh38, 1-based): chr14:77,299,512, A>C on the plus strand (T>G on the coding strand, the complement: POMT2 is on the minus strand). VCF-style: chr14-77299512-A-C. GRCh37 (hg19) VCF-style: chr14-77765855-A-C.
Other names: short protein forms L289R.
Identifiers: ClinVar variation 1488737 (VCV001488737.6), dbSNP rs2139473885, ClinGen allele CA390519962.
Genomic context (GRCh38, chr14:77,299,512, plus strand): 5'-TACCTTTTACTCAGCACCATGAAGTGAACAGCAAAGGTGGCTGTATAGAGAGCCAGGGGC[A>C]GCACTATGAGGCACAGGACACGAGCAGTCAGGTGTTTTCCCACAGTCACCTGCAAACAGA-3'
Protein context (NP_037514.2, residues 279-299): LTARVLCLIV[Leu289Arg]PLALYTATFA

ClinVar aggregate classification (germline): Uncertain significance (1 of 4 stars; one submission).

Conditions:
Muscular dystrophy-dystroglycanopathy (congenital with impaired intellectual development), type B, 2. Also called: Muscular dystrophy-dystroglycanopathy (congenital with intellectual disability), type B2; MUSCULAR DYSTROPHY, CONGENITAL, POMT2-RELATED. Identifiers: MedGen C3150416, MONDO:0013160, OMIM 613156.
Autosomal recessive limb-girdle muscular dystrophy type 2N. Also called: MUSCULAR DYSTROPHY-DYSTROGLYCANOPATHY, LIMB-GIRDLE, POMT2-RELATED; Muscular dystrophy-dystroglycanopathy (limb-girdle), type C, 2. Identifiers: Orphanet 206559, MedGen C3150418, MONDO:0013162, OMIM 613158.
Muscular dystrophy-dystroglycanopathy (congenital with brain and eye anomalies), type A2. Also called: MUSCULAR DYSTROPHY-DYSTROGLYCANOPATHY (CONGENITAL WITH BRAIN AND EYE ANOMALIES), TYPE A, 2; WALKER-WARBURG SYNDROME OR MUSCLE-EYE-BRAIN DISEASE, POMT2-RELATED. Identifiers: Orphanet 588, Orphanet 899, MedGen C3150411, MONDO:0013154, OMIM 613150.

Submission:

Labcorp Genetics (formerly Invitae), Labcorp
Classification: Uncertain significance for Muscular dystrophy-dystroglycanopathy (congenital with impaired intellectual development), type B, 2; Muscular dystrophy-dystroglycanopathy (congenital with brain and eye anomalies), type A2; Autosomal recessive limb-girdle muscular dystrophy type 2N. Last evaluated: 2024-05-06. Review status: criteria provided, single submitter. Criteria: Invitae Variant Classification Sherloc (09022015). Collection method: clinical testing. Allele origin: germline.
Comment: This sequence change replaces leucine, which is neutral and non-polar, with arginine, which is basic and polar, at codon 289 of the POMT2 protein (p.Leu289Arg). This variant is not present in population databases (gnomAD no frequency). This missense change has been observed in individual(s) with clinical features of POMT2-related conditions (Invitae). ClinVar contains an entry for this variant (Variation ID: 1488737). Advanced modeling of protein sequence and biophysical properties (such as structural, functional, and spatial information, amino acid conservation, physicochemical variation, residue mobility, and thermodynamic stability) has been performed at Invitae for this missense variant, however the output from this modeling did not meet the statistical confidence thresholds required to predict the impact of this variant on POMT2 protein function. In summary, the available evidence is currently insufficient to determine the role of this variant in disease. Therefore, it has been classified as a Variant of Uncertain Significance.